The following is an entry in ClinVar:

NM_000975.5(RPL11):c.437G>A (p.Arg146His)

Gene: RPL11 (ribosomal protein L11; plus strand). Cytogenetic location: 1p36.11.
Variant type: single nucleotide variant.
Coding change: c.437G>A on transcript NM_000975.5 (MANE Select); coding-DNA position 437, G replaced by A.
Protein change: p.Arg146His; replaces arginine 146 with histidine.
Molecular consequence: missense variant.
Genome position (GRCh38, 1-based): chr1:23,695,838, G>A. VCF-style: chr1-23695838-G-A. GRCh37 (hg19) VCF-style: chr1-24022328-G-A.
Other names: c.434G>A, p.Arg145His (NM_001199802.1); short protein forms R146H, R145H.
Identifiers: ClinVar variation 2987325 (VCV002987325.4), dbSNP rs770776620, ClinGen allele CA19287683.
Genomic context (GRCh38, chr1:23,695,838, plus strand): 5'-GTTGGTTATTCCTGGGACAGGTGCTGGGTAGGCCAGGTTTCAGCATCGCAGACAAGAAGC[G>A]CAGGACAGGCTGCATTGGGGCCAAACACAGAATCAGCAAAGAGGAGGCCATGCGCTGGTT-3'
Protein context (NP_000966.2, residues 136-156): RPGFSIADKK[Arg146His]RTGCIGAKHR

ClinVar aggregate classification (germline): Uncertain significance. Review status: criteria provided, multiple submitters, no conflicts (2 of 4 stars). 2 submissions from 2 submitters: Uncertain significance (2). Last evaluated 2025-11-25.

Conditions:
Diamond-Blackfan anemia. Also called: Blackfan Diamond syndrome; Aregenerative anemia chronic congenital; Red cell aplasia, pure hereditary; Congenital hypoplastic anemia; Aase syndrome. Identifiers: Orphanet 124, MedGen C1260899, MeSH D029503, MONDO:0015253, HP:0004810.
Diamond-Blackfan anemia 7 (DBA7). Also called: RPL11-Related Diamond-Blackfan Anemia. Identifiers: Orphanet 124, MedGen C2675512, MONDO:0012938, OMIM 612562.

Allele frequency attached by ClinVar (database versions not stated): TOPMed below 0.00001.
gnomAD v4.1: 23 of 1,600,962 alleles (0.0014%); highest among the groups gnomAD compares: Middle Eastern, 0.018%; no homozygotes.

Submissions (2):

Labcorp Genetics (formerly Invitae), Labcorp
Classification: Uncertain significance for Diamond-Blackfan anemia. Last evaluated: 2025-11-25. Review status: criteria provided, single submitter. Criteria: Invitae Variant Classification Sherloc (09022015). Collection method: clinical testing. Allele origin: germline.
Comment: This sequence change replaces arginine, which is basic and polar, with histidine, which is basic and polar, at codon 146 of the RPL11 protein (p.Arg146His). The frequency data for this variant in the population databases is considered unreliable, as metrics indicate poor data quality at this position in the gnomAD database. This variant has not been reported in the literature in individuals affected with RPL11-related conditions. ClinVar contains an entry for this variant (Variation ID: 2987325). An algorithm developed to predict the effect of missense changes on protein structure and function (PolyPhen-2) suggests that this variant is likely to be tolerated. In summary, the available evidence is currently insufficient to determine the role of this variant in disease. Therefore, it has been classified as a Variant of Uncertain Significance.

Revvity Omics, Revvity
Classification: Uncertain significance for Diamond-Blackfan anemia 7. Last evaluated: 2023-08-29. Review status: criteria provided, single submitter. Criteria: ACMG Guidelines, 2015. Collection method: clinical testing. Allele origin: germline.